The following is an entry in ClinVar:

ClinVar aggregate classification (germline): Uncertain significance (1 of 4 stars; one submission).

Conditions:
Cardiovascular phenotype. Identifiers: MedGen CN230736.

Submission:

Ambry Genetics
Classification: Uncertain significance for Cardiovascular phenotype. Last evaluated: 2026-08-03. Review status: criteria provided, single submitter. Criteria: Ambry Variant Classification Scheme 2023. Collection method: clinical testing. Allele origin: germline.
Comment: The p.H3902P variant (also known as c.11705A>C), located in coding exon 50 of the AKAP9 gene, results from an A to C substitution at nucleotide position 11705. The histidine at codon 3902 is replaced by proline, an amino acid with similar properties. This amino acid position is conserved. In addition, the in silico prediction for this alteration is inconclusive. Based on the available evidence, the clinical significance of this variant remains unclear.

NM_005751.5(AKAP9):c.11705A>C (p.His3902Pro)

Gene: AKAP9 (A-kinase anchoring protein 9; plus strand). Cytogenetic location: 7q21.2.
Variant type: single nucleotide variant.
Coding change: c.11705A>C on transcript NM_005751.5 (MANE Select); coding-DNA position 11705, A replaced by C.
Protein change: p.His3902Pro; replaces histidine 3902 with proline.
Molecular consequence: missense variant.
Genome position (GRCh38, 1-based): chr7:92,110,140, A>C. VCF-style: chr7-92110140-A-C. GRCh37 (hg19) VCF-style: chr7-91739454-A-C.
Other names: c.6350A>C, p.His2117Pro (NM_001379277.1); c.11681A>C, p.His3894Pro (NM_147185.3); short protein forms H2117P, H3894P, H3902P.
Identifiers: ClinVar variation 5034003 (VCV005034003.1).